The following is an entry in ClinVar:

NM_201253.3(CRB1):c.2842+2T>C

Gene: CRB1 (crumbs cell polarity complex component 1; plus strand). Cytogenetic location: 1q31.3.
Variant type: single nucleotide variant.
Coding change: c.2842+2T>C on transcript NM_201253.3 (MANE Select); the canonical splice donor site of the intron after coding-DNA position 2842, T replaced by C.
Molecular consequence: splice donor variant. On other transcripts: intron variant (1).
Genome position (GRCh38, 1-based): chr1:197,429,616, T>C. VCF-style: chr1-197429616-T-C. GRCh37 (hg19) VCF-style: chr1-197398746-T-C.
Other names: c.2770+2T>C (NM_001257965.2); c.2129-5984T>C (NM_001257966.2); c.2506+2T>C (NM_001193640.2).
Identifiers: ClinVar variation 1346610 (VCV001346610.8), dbSNP rs2125489334, ClinGen allele CA344041413.

ClinVar aggregate classification (germline): Likely pathogenic (1 of 4 stars; one submission).

Conditions:
Leber congenital amaurosis 8 (LCA8). Identifiers: Orphanet 65, MedGen C3151202, MONDO:0013453, OMIM 613835.
Retinitis pigmentosa 12 (RP12). Also called: RP WITH OR WITHOUT PPRPE; RP WITH OR WITHOUT PRESERVED PARAARTERIOLE RETINAL PIGMENT EPITHELIUM; RETINITIS PIGMENTOSA WITH OR WITHOUT PARAARTERIOLAR PRESERVATION OF RETINAL PIGMENT EPITHELIUM. Identifiers: Orphanet 791, MedGen C1838647, MONDO:0010818, OMIM 600105.

Allele frequency attached by ClinVar (database versions not stated): gnomAD exomes below 0.00001.
gnomAD v4.1: 1 of 1,613,810 alleles (0.000062%); highest among the groups gnomAD compares: Non-Finnish European, 0.000085%; no homozygotes.

Submission:

Labcorp Genetics (formerly Invitae), Labcorp
Classification: Likely pathogenic for Leber congenital amaurosis 8; Retinitis pigmentosa 12. Last evaluated: 2021-03-06. Review status: criteria provided, single submitter. Criteria: Invitae Variant Classification Sherloc (09022015). Collection method: clinical testing. Allele origin: germline.
Comment: In summary, the currently available evidence indicates that the variant is pathogenic, but additional data are needed to prove that conclusively. Therefore, this variant has been classified as Likely Pathogenic. Algorithms developed to predict the effect of sequence changes on RNA splicing suggest that this variant may disrupt the consensus splice site, but this prediction has not been confirmed by published transcriptional studies. Disruption of this splice site been observed in individual(s) with Leber congenital amaurosis (PMID: 24265693). This variant is not present in population databases (ExAC no frequency). This sequence change affects a donor splice site in intron 8 of the CRB1 gene. It is expected to disrupt RNA splicing. Variants that disrupt the donor or acceptor splice site typically lead to a loss of protein function (PMID: 16199547), and loss-of-function variants in CRB1 are known to be pathogenic (PMID: 10508521, 22065545, 23379534, 25412400, 26957898, 28041643, 29391521).

Literature cited by the submitters: PubMed 24265693; PubMed 16199547; PubMed 10508521; PubMed 22065545; PubMed 23379534; PubMed 25412400; PubMed 26957898; PubMed 28041643; PubMed 29391521.